The following is an entry in ClinVar:

NM_001291303.3(FAT4):c.8057_8059del (p.Pro2686del)

Gene: FAT4 (FAT atypical cadherin 4; plus strand). Cytogenetic location: 4q28.1.
Variant type: Deletion.
Coding change: c.8057_8059del on transcript NM_001291303.3 (MANE Select); coding-DNA positions 8057 to 8059, 3 bases deleted (CTC; older notation c.8057_8059delCTC).
Protein change: p.Pro2686del; deletes proline 2686.
Molecular consequence: inframe deletion.
Genome position (GRCh38, 1-based): chr4:125,449,067-125,449,069, CTC deleted; deleting any 3 consecutive bases within chr4:125,449,066-125,449,069 gives the same sequence; the c. name uses the placement nearest the transcript's 3' end. VCF-style (leftmost placement, unchanged base first): chr4-125449065-CCCT-C. GRCh37 (hg19) VCF-style: chr4-126370220-CCCT-C.
Other names: c.8057_8059del, p.Pro2686del (NM_001291285.3); c.8051_8053del, p.Pro2684del (NM_024582.6); short protein forms P2684del, P2686del.
Identifiers: ClinVar variation 2020458 (VCV002020458.4), dbSNP rs2530893224, ClinGen allele CA2580071488.

ClinVar aggregate classification (germline): Uncertain significance (1 of 4 stars; one submission).

Submission:

Labcorp Genetics (formerly Invitae), Labcorp
Classification: Uncertain significance. Last evaluated: 2025-07-14. Review status: criteria provided, single submitter. Criteria: Invitae Variant Classification Sherloc (09022015). Collection method: clinical testing. Allele origin: germline.
Comment: This variant, c.8051_8053del, results in the deletion of 1 amino acid(s) of the FAT4 protein (p.Pro2684del), but otherwise preserves the integrity of the reading frame. This variant is not present in population databases (gnomAD no frequency). This variant has not been reported in the literature in individuals affected with FAT4-related conditions. ClinVar contains an entry for this variant (Variation ID: 2020458). Experimental studies and prediction algorithms are not available or were not evaluated, and the functional significance of this variant is currently unknown. In summary, the available evidence is currently insufficient to determine the role of this variant in disease. Therefore, it has been classified as a Variant of Uncertain Significance.